The following is an entry in ClinVar:

NM_000257.4(MYH7):c.740T>G (p.Phe247Cys)

Gene: MYH7 (myosin heavy chain 7; minus strand). Cytogenetic location: 14q11.2.
Variant type: single nucleotide variant.
Coding change: c.740T>G on transcript NM_000257.4 (MANE Select); coding-DNA position 740, T replaced by G.
Protein change: p.Phe247Cys; replaces phenylalanine 247 with cysteine.
Molecular consequence: missense variant.
Genome position (GRCh38, 1-based): chr14:23,431,474, A>C on the plus strand (T>G on the coding strand, the complement: MYH7 is on the minus strand). VCF-style: chr14-23431474-A-C. GRCh37 (hg19) VCF-style: chr14-23900683-A-C.
Other names: p.F247C:TTC>TGC; short protein forms F247C.
Identifiers: ClinVar variation 181401 (VCV000181401.26), dbSNP rs730880922, ClinGen allele CA016752.

ClinVar aggregate classification (germline): Pathogenic/Likely pathogenic. Review status: criteria provided, multiple submitters, no conflicts (2 of 4 stars). 5 submissions from 5 submitters: Pathogenic (3); Likely pathogenic (1). 1 of the submissions does not count toward it. Last evaluated 2025-07-23.

Conditions:
Cardiovascular phenotype. Identifiers: MedGen CN230736.
Hypertrophic cardiomyopathy. Also called: HYPERTROPHIC MYOCARDIOPATHY. Identifiers: Orphanet 217569, MedGen C0007194, MeSH D002312, MONDO:0005045, HP:0001639.

Submissions (5):

Ambry Genetics
Classification: Pathogenic for Cardiovascular phenotype. Last evaluated: 2025-07-23. Review status: criteria provided, single submitter. Criteria: Ambry Variant Classification Scheme 2023. Collection method: clinical testing. Allele origin: germline.
Comment: The p.F247C pathogenic mutation (also known as c.740T>G), located in coding exon 7 of the MYH7 gene, results from a T to G substitution at nucleotide position 740. The phenylalanine at codon 247 is replaced by cysteine, an amino acid with highly dissimilar properties. This alteration is located in the myosin head domain, which contains a statistically significant clustering of pathogenic missense variants (Homburger JR et al. Proc Natl Acad Sci U S A, 2016 06;113:6701-6; Walsh R et al. Genet Med, 2017 02;19:192-203; Ambry internal data). This variant was reported in individual(s) with features consistent with hypertrophic cardiomyopathy (HCM) (Ho CY et al. Circulation. 2018 10;138(14):1387-1398; external communication; Ambry internal data). Other variant(s) at the same codon, p.F247L (c.739T>C), have been identified in individual(s) with features consistent with HCM (Garc&iacute;a-Castro M et al. Rev Esp Cardiol, 2009 Jan;62:48-56). This variant is considered to be rare based on population cohorts in the Genome Aggregation Database (gnomAD). This amino acid position is highly conserved in available vertebrate species. In addition, this alteration is predicted to be deleterious by in silico analysis. Based on the supporting evidence, this alteration is interpreted as a disease-causing mutation.

Labcorp Genetics (formerly Invitae), Labcorp
Classification: Pathogenic for Hypertrophic cardiomyopathy. Last evaluated: 2024-12-04. Review status: criteria provided, single submitter. Criteria: Invitae Variant Classification Sherloc (09022015). Collection method: clinical testing. Allele origin: germline.
Comment: This sequence change replaces phenylalanine, which is neutral and non-polar, with cysteine, which is neutral and slightly polar, at codon 247 of the MYH7 protein (p.Phe247Cys). This variant is not present in population databases (gnomAD no frequency). This missense change has been observed in individuals with hypertrophic cardiomyopathy (internal data). ClinVar contains an entry for this variant (Variation ID: 181401). Invitae Evidence Modeling of protein sequence and biophysical properties (such as structural, functional, and spatial information, amino acid conservation, physicochemical variation, residue mobility, and thermodynamic stability) indicates that this missense variant is expected to disrupt MYH7 protein function with a positive predictive value of 95%. This variant is found within a region of MYH7 between codons 181 and 937 that contains the majority of the myosin head domain. Missense variants in this region have been shown to be significantly overrepresented in individuals with hypertrophic cardiomyopathy (PMID: 27532257). For these reasons, this variant has been classified as Pathogenic.

ARUP Laboratories, Molecular Genetics and Genomics, ARUP Laboratories
Classification: Likely pathogenic. Last evaluated: 2018-05-15. Review status: criteria provided, single submitter. Criteria: ARUP Molecular Germline Variant Investigation Process. Collection method: clinical testing. Allele origin: germline.

GeneDx
Classification: Pathogenic. Last evaluated: 2011-12-09. Review status: criteria provided, single submitter. Criteria: GeneDx Variant Classification (06012015). Collection method: clinical testing. Allele origin: germline. Affected: yes.
Comment: This mutation is denoted p.Phe247Cys (F247C) at the protein level and c.740 T>G at the cDNA level. The Phe247Cys mutation in the MYH7 gene has not been published previously as a disease-causing mutation or a benign polymorphism, to our knowledge. Phe247Cys results in a non-conservative amino acid substitution of a non-polar Phenylalanine with a neutral, polar Cysteine. Mutations affecting the same residue (Phe247Leu) or nearby residues (Phe244Leu, Lys246Gln, Arg249Gln, His251Asn) have been reported in association with HCM, further supporting the functional importance of this residue and this region of the protein. Furthermore, Phe247Cys was not detected in 640 alleles from control individuals of various ethnicities tested at GeneDx, indicating it is not a common benign variant. The variant is found in HCM panel(s).

Laboratory for Molecular Medicine, Mass General Brigham Personalized Medicine
Classification: Uncertain significance. Last evaluated: 2017-01-27. Review status: flagged submission. Criteria: LMM Criteria. Collection method: clinical testing. Allele origin: germline. Observed: 1 variant allele. Not counted in ClinVar's aggregate classification.
Comment: Variant classified as Uncertain Significance - Favor Pathogenic. The p.Phe247Cys variant in MYH7 has not been previously reported in individuals with cardiomyop athy, but has been reported in ClinVar (Variation ID: 181401). This variant was absent from large population studies. Of note, this variant lies in the head reg ion of the protein. Missense variants in this region have been reported and stat istically indicated to be more likely to cause disease (Walsh 2016). Phenylalani ne (Phe) at position 247 is highly conserved in mammals and across evolutionaril y distant species and the change to cysteine (Cys) was predicted to be pathogeni c using a computational tool clinically validated by our laboratory. This tool's pathogenic prediction is estimated to be correct 94% of the time (Jordan 2011). In summary, while there is some suspicion for a pathogenic role, the clinical s ignificance of the p.Phe247Cys variant is uncertain.
ClinVar note: Reason: Older and outlier claim with insufficient supporting evidence

Literature cited by the submitters: PubMed 19150014 (cited by Ambry Genetics); PubMed 26246073 (cited by Ambry Genetics); PubMed 30297972 (cited by Ambry Genetics); PubMed 27532257 (cited by Labcorp Genetics (formerly Invitae), Labcorp and Laboratory for Molecular Medicine, Mass General Brigham Personalized Medicine); PubMed 21310275 (cited by Laboratory for Molecular Medicine, Mass General Brigham Personalized Medicine).